The following is an entry in ClinVar:

ClinVar aggregate classification (germline): Uncertain significance (1 of 4 stars; one submission).

Conditions:
Amyotrophic lateral sclerosis type 10 (ALS10). Also called: Amyotrophic lateral sclerosis 10, with or without FTD; AMYOTROPHIC LATERAL SCLEROSIS 10 WITHOUT FRONTOTEMPORAL DEMENTIA AND WITH TDP43 INCLUSIONS; AMYOTROPHIC LATERAL SCLEROSIS 10 WITH OR WITHOUT FRONTOTEMPORAL DEMENTIA AND WITH TDP43 INCLUSIONS; AMYOTROPHIC LATERAL SCLEROSIS 10 WITH OR WITHOUT FRONTOTEMPORAL DEMENTIA; TARDBP-Related Amyotrophic Lateral Sclerosis-Frontotemporal Dementia. Identifiers: Orphanet 275872, Orphanet 803, MedGen C2677565, MONDO:0012790, OMIM 612069.
FRONTOTEMPORAL LOBAR DEGENERATION WITH TDP43 INCLUSIONS, TARDBP-RELATED. Also called: Frontotemporal lobar degeneration, TARDBP-related. Identifiers: MedGen C3150169, OMIM 612069.

Submission:

Labcorp Genetics (formerly Invitae), Labcorp
Classification: Uncertain significance for Amyotrophic lateral sclerosis type 10; FRONTOTEMPORAL LOBAR DEGENERATION WITH TDP43 INCLUSIONS, TARDBP-RELATED. Last evaluated: 2025-10-07. Review status: criteria provided, single submitter. Criteria: Invitae Variant Classification Sherloc (09022015). Collection method: clinical testing. Allele origin: germline.
Comment: This sequence change replaces serine, which is neutral and polar, with tyrosine, which is neutral and polar, at codon 373 of the TARDBP protein (p.Ser373Tyr). This variant is not present in population databases (gnomAD no frequency). This variant has not been reported in the literature in individuals affected with TARDBP-related conditions. An algorithm developed to predict the effect of missense changes on protein structure and function (PolyPhen-2) suggests that this variant is likely to be disruptive. In summary, the available evidence is currently insufficient to determine the role of this variant in disease. Therefore, it has been classified as a Variant of Uncertain Significance.

NM_007375.4(TARDBP):c.1118C>A (p.Ser373Tyr)

Gene: TARDBP (TAR DNA binding protein; plus strand). Cytogenetic location: 1p36.22.
Variant type: single nucleotide variant.
Coding change: c.1118C>A on transcript NM_007375.4 (MANE Select); coding-DNA position 1118, C replaced by A.
Protein change: p.Ser373Tyr; replaces serine 373 with tyrosine.
Molecular consequence: missense variant.
Genome position (GRCh38, 1-based): chr1:11,022,527, C>A. VCF-style: chr1-11022527-C-A. GRCh37 (hg19) VCF-style: chr1-11082584-C-A.
Other names: short protein forms S373Y.
Identifiers: ClinVar variation 4786343 (VCV004786343.1).